The following is an entry in ClinVar:

NM_020822.3(KCNT1):c.250G>C (p.Asp84His)

Gene: KCNT1 (potassium sodium-activated channel subfamily T member 1; plus strand). Cytogenetic location: 9q34.3.
Variant type: single nucleotide variant.
Coding change: c.250G>C on transcript NM_020822.3 (MANE Select); coding-DNA position 250, G replaced by C.
Protein change: p.Asp84His; replaces aspartic acid 84 with histidine.
Molecular consequence: missense variant. On other transcripts: intron variant (1).
Genome position (GRCh38, 1-based): chr9:135,714,716, G>C. VCF-style: chr9-135714716-G-C. GRCh37 (hg19) VCF-style: chr9-138606562-G-C.
Other names: c.110+12348G>C (NM_001272003.2); short protein forms D84H.
Identifiers: ClinVar variation 4788456 (VCV004788456.1).

ClinVar aggregate classification (germline): Uncertain significance (1 of 4 stars; one submission).

Conditions:
Autosomal dominant nocturnal frontal lobe epilepsy 5. Also called: CILIARY DYSKINESIA, PRIMARY, 28, WITHOUT SITUS INVERSUS; CILIARY DYSKINESIA, PRIMARY, 28, WITH SITUS INVERSUS; KCNT1-Related Epilepsy; Epilepsy, nocturnal frontal lobe, 5. Identifiers: Orphanet 98784, MedGen C3554306, MONDO:0014002, OMIM 615005.
Developmental and epileptic encephalopathy, 14 (DEE14). Also called: Early infantile epileptic encephalopathy 14. Identifiers: Orphanet 293181, MedGen C3554195, MONDO:0013989, OMIM 614959.

Submission:

Labcorp Genetics (formerly Invitae), Labcorp
Classification: Uncertain significance for Autosomal dominant nocturnal frontal lobe epilepsy 5; Developmental and epileptic encephalopathy, 14. Last evaluated: 2025-09-05. Review status: criteria provided, single submitter. Criteria: Invitae Variant Classification Sherloc (09022015). Collection method: clinical testing. Allele origin: germline.
Comment: This sequence change replaces aspartic acid, which is acidic and polar, with histidine, which is basic and polar, at codon 84 of the KCNT1 protein (p.Asp84His). This variant is not present in population databases (gnomAD no frequency). This variant has not been reported in the literature in individuals affected with KCNT1-related conditions. Invitae Evidence Modeling of protein sequence and biophysical properties (such as structural, functional, and spatial information, amino acid conservation, physicochemical variation, residue mobility, and thermodynamic stability) indicates that this missense variant is not expected to disrupt KCNT1 protein function with a negative predictive value of 95%. In summary, the available evidence is currently insufficient to determine the role of this variant in disease. Therefore, it has been classified as a Variant of Uncertain Significance.